The following is an entry in ClinVar:

ClinVar aggregate classification (germline): Likely benign. Review status: criteria provided, multiple submitters, no conflicts (2 of 4 stars). 2 submissions from 2 submitters: Likely benign (2). Last evaluated 2025-08-27.

Submissions (2):

Mayo Clinic Laboratories, Mayo Clinic
Classification: Likely benign. Last evaluated: 2025-08-27. Review status: criteria provided, single submitter. Criteria: ACMG Guidelines, 2015. Collection method: clinical testing. Allele origin: germline. Observed: 1 variant allele.
Comment: BS1

CeGaT Center for Human Genetics Tuebingen
Classification: Likely benign. Last evaluated: 2024-10-01. Review status: criteria provided, single submitter. Criteria: CeGaT Center For Human Genetics Tuebingen Variant Classification Criteria Version 2. Collection method: clinical testing. Allele origin: germline. Affected: yes. Observed: 1 variant allele.
Comment: DPM1: BS2

NM_003859.3(DPM1):c.373-33_373-28del

Gene: DPM1 (dolichyl-phosphate mannosyltransferase subunit 1, catalytic; minus strand). Cytogenetic location: 20q13.13.
Variant type: Deletion.
Coding change: c.373-33_373-28del on transcript NM_003859.3 (MANE Select); 33 bases into the intron before coding-DNA position 373 through 28 bases into the intron before coding-DNA position 373, 6 bases deleted (ACTGAC; older notation c.373-33_373-28delACTGAC).
Molecular consequence: intron variant.
Genome position (GRCh38, 1-based): chr20:50,945,790-50,945,795, GTCAGT deleted on the plus strand (ACTGAC on the coding strand, the reverse complement: DPM1 is on the minus strand). VCF-style (leftmost placement, unchanged base first): chr20-50945789-AGTCAGT-A. GRCh37 (hg19) VCF-style: chr20-49562326-AGTCAGT-A.
Other names: p.?; c.373-33_373-28del (NM_003859.2, NM_001317036.1, NM_001317035.1 and 1 more transcripts).
Identifiers: ClinVar variation 3387828 (VCV003387828.15).
Genomic context (GRCh38, chr20:50,945,789, plus strand): 5'-GTACCTACCTAATAAATTCAGGAATAAATTTTGGCTGAAATTTGAAAAGAATAAACAGTA[AGTCAGT>A]AAAACAGGCTAAGACTACCATAAATAGCTAATAAAGAAACATACCACTTACATGGTGTGA-3'